The following is an entry in ClinVar:

ClinVar aggregate classification (germline): Likely benign. Review status: criteria provided, multiple submitters, no conflicts (2 of 4 stars). 3 submissions from 3 submitters: Likely benign (2). 1 of the submissions does not count toward it. Last evaluated 2025-12-01.

Conditions:
TICAM1-related disorder. Also called: TICAM1-related condition.
Encephalopathy, acute, infection-induced (herpes-specific), susceptibility to, 6. Also called: Herpes simplex encephalitis, susceptibility to, 4. Identifiers: Orphanet 1930, MedGen C3553869, MONDO:0013921, OMIM 614850.

Allele frequency attached by ClinVar (database versions not stated): ExAC 0.00002; TOPMed 0.00001.

Submissions (3):

Labcorp Genetics (formerly Invitae), Labcorp
Classification: Likely benign for Encephalopathy, acute, infection-induced (herpes-specific), susceptibility to, 6. Last evaluated: 2025-12-01. Review status: criteria provided, single submitter. Criteria: Invitae Variant Classification Sherloc (09022015). Collection method: clinical testing. Allele origin: germline.

Blueprint Genetics
Classification: Likely benign. Last evaluated: 2022-05-04. Review status: criteria provided, single submitter. Criteria: ACMG Guidelines, 2015. Collection method: clinical testing. Allele origin: germline.

PreventionGenetics, part of Exact Sciences
Classification: Likely benign for TICAM1-related condition. Last evaluated: 2019-04-08. Review status: no assertion criteria provided. Collection method: clinical testing. Allele origin: germline. Not counted in ClinVar's aggregate classification.
Comment: This variant is classified as likely benign based on ACMG/AMP sequence variant interpretation guidelines (Richards et al. 2015 PMID: 25741868, with internal and published modifications).

NM_182919.4(TICAM1):c.2049C>T (p.His683=)

Gene: TICAM1 (TIR domain containing adaptor molecule 1; minus strand). Cytogenetic location: 19p13.3.
Variant type: single nucleotide variant.
Coding change: c.2049C>T on transcript NM_182919.4 (MANE Select); coding-DNA position 2049, C replaced by T.
Protein change: p.His683=; no amino-acid change (histidine 683 retained).
Molecular consequence: synonymous variant.
Genome position (GRCh38, 1-based): chr19:4,816,329, G>A on the plus strand (C>T on the coding strand, the complement: TICAM1 is on the minus strand). VCF-style: chr19-4816329-G-A. GRCh37 (hg19) VCF-style: chr19-4816341-G-A.
Other names: c.2007C>T, p.His669= (NM_001385678.1); c.1914C>T, p.His638= (NM_001385679.1); c.1407C>T, p.His469= (NM_001385680.1).
Identifiers: ClinVar variation 2049288 (VCV002049288.7), dbSNP rs772973812, ClinGen allele CA9105003.